The following is an entry in ClinVar:

ClinVar aggregate classification (germline): Uncertain significance. Review status: criteria provided, multiple submitters, no conflicts (2 of 4 stars). 2 submissions from 2 submitters: Uncertain significance (2). Last evaluated 2023-04-10.

Conditions:
Primary ciliary dyskinesia 9. Also called: CILIARY DYSKINESIA, PRIMARY, 9, WITH OR WITHOUT SITUS INVERSUS. Identifiers: Orphanet 244, MedGen C2676235, MONDO:0012906, OMIM 612444.
Primary ciliary dyskinesia. Also called: Ciliary dyskinesia. Identifiers: Orphanet 244, MedGen C0008780, MONDO:0016575, HP:0012265.

Allele frequency attached by ClinVar (database versions not stated): gnomAD exomes below 0.00001.
gnomAD v4.1: 3 of 1,613,966 alleles (0.00019%); highest among the groups gnomAD compares: South Asian, 0.0022%; no homozygotes.

Submissions (2):

Revvity Omics, Revvity
Classification: Uncertain significance for Primary ciliary dyskinesia 9. Last evaluated: 2023-04-10. Review status: criteria provided, single submitter. Criteria: ACMG Guidelines, 2015. Collection method: clinical testing. Allele origin: germline.

Labcorp Genetics (formerly Invitae), Labcorp
Classification: Uncertain significance for Primary ciliary dyskinesia. Last evaluated: 2022-09-29. Review status: criteria provided, single submitter. Criteria: Invitae Variant Classification Sherloc (09022015). Collection method: clinical testing. Allele origin: germline.
Comment: This sequence change replaces tyrosine, which is neutral and polar, with cysteine, which is neutral and slightly polar, at codon 368 of the DNAI2 protein (p.Tyr368Cys). This variant is not present in population databases (gnomAD no frequency). This variant has not been reported in the literature in individuals affected with DNAI2-related conditions. Advanced modeling of protein sequence and biophysical properties (such as structural, functional, and spatial information, amino acid conservation, physicochemical variation, residue mobility, and thermodynamic stability) performed at Invitae indicates that this missense variant is not expected to disrupt DNAI2 protein function. In summary, the available evidence is currently insufficient to determine the role of this variant in disease. Therefore, it has been classified as a Variant of Uncertain Significance.

NM_023036.6(DNAI2):c.1103A>G (p.Tyr368Cys)

Gene: DNAI2 (dynein axonemal intermediate chain 2; plus strand). Cytogenetic location: 17q25.1.
Variant type: single nucleotide variant.
Coding change: c.1103A>G on transcript NM_023036.6 (MANE Select); coding-DNA position 1103, A replaced by G.
Protein change: p.Tyr368Cys; replaces tyrosine 368 with cysteine.
Molecular consequence: missense variant. On other transcripts: non-coding transcript variant (1).
Genome position (GRCh38, 1-based): chr17:74,305,334, A>G. VCF-style: chr17-74305334-A-G. GRCh37 (hg19) VCF-style: chr17-72301473-A-G.
Other names: c.1103A>G, p.Tyr368Cys (NM_001172810.3, NM_001353167.2); short protein forms Y368C.
Identifiers: ClinVar variation 2139109 (VCV002139109.3), dbSNP rs2509752469, ClinGen allele CA400910133.
Genomic context (GRCh38, chr17:74,305,334, plus strand): 5'-AGGCCAAGACGTCAGCTGAAAAGATTGTGTGCACCTTCCCGGGCCATCATGGCCCCATCT[A>G]CGCCCTCCAGAGAAACCCCTTCTACCCGAAGAACTTCCTGACGGTTGGCGACTGGACAGC-3'
Protein context (NP_075462.3, residues 358-378): CTFPGHHGPI[Tyr368Cys]ALQRNPFYPK